The following is an entry in ClinVar:

ClinVar aggregate classification (germline): Uncertain significance (1 of 4 stars; one submission).

gnomAD v4.1: 3 of 1,613,994 alleles (0.00019%); highest among the groups gnomAD compares: Admixed American, 0.005%; no homozygotes.

Submission:

Women's Health and Genetics/Laboratory Corporation of America, LabCorp
Classification: Uncertain significance. Last evaluated: 2022-05-24. Review status: criteria provided, single submitter. Criteria: LabCorp Variant Classification Summary - May 2015. Collection method: clinical testing. Allele origin: germline.
Comment: Variant summary: ASXL3 c.5252C>G (p.Thr1751Arg) results in a non-conservative amino acid change in the encoded protein sequence. Four of five in-silico tools predict a damaging effect of the variant on protein function. The variant allele was found at a frequency of 1.2e-05 in 248984 control chromosomes. The available data on variant occurrences in the general population are insufficient to allow any conclusion about variant significance. To our knowledge, no occurrence of c.5252C>G in individuals affected with Bainbridge-Ropers Syndrome and no experimental evidence demonstrating its impact on protein function have been reported. No clinical diagnostic laboratories have submitted clinical-significance assessments for this variant to ClinVar after 2014. Based on the evidence outlined above, the variant was classified as uncertain significance.

NM_030632.3(ASXL3):c.5252C>G (p.Thr1751Arg)

Gene: ASXL3 (ASXL transcriptional regulator 3; plus strand). Cytogenetic location: 18q12.1.
Variant type: single nucleotide variant.
Coding change: c.5252C>G on transcript NM_030632.3 (MANE Select); coding-DNA position 5252, C replaced by G.
Protein change: p.Thr1751Arg; replaces threonine 1751 with arginine.
Molecular consequence: missense variant.
Genome position (GRCh38, 1-based): chr18:33,745,100, C>G. VCF-style: chr18-33745100-C-G. GRCh37 (hg19) VCF-style: chr18-31325064-C-G.
Other names: short protein forms T1751R.
Identifiers: ClinVar variation 1695991 (VCV001695991.1), dbSNP rs753874423, ClinGen allele CA8934400.